The following is an entry in ClinVar:

NM_001386140.1(MTTP):c.702A>C (p.Glu234Asp)

Gene: MTTP (microsomal triglyceride transfer protein; plus strand). Cytogenetic location: 4q23.
Variant type: single nucleotide variant.
Coding change: c.702A>C on transcript NM_001386140.1 (MANE Select); coding-DNA position 702, A replaced by C.
Protein change: p.Glu234Asp; replaces glutamic acid 234 with aspartic acid.
Molecular consequence: missense variant.
Genome position (GRCh38, 1-based): chr4:99,591,734, A>C. VCF-style: chr4-99591734-A-C. GRCh37 (hg19) VCF-style: chr4-100512891-A-C.
Other names: c.702A>C, p.Glu234Asp (NM_000253.4); c.453A>C, p.Glu151Asp (NM_001300785.2); short protein forms E151D, E234D.
Identifiers: ClinVar variation 2141343 (VCV002141343.1), dbSNP rs771994154, ClinGen allele CA3021921.

ClinVar aggregate classification (germline): Uncertain significance (1 of 4 stars; one submission).

Allele frequency attached by ClinVar (database versions not stated): gnomAD exomes 0.00002; TOPMed 0.00002; gnomAD 0.00003; ExAC 0.00004.
gnomAD v4.1: 38 of 1,613,338 alleles (0.0024%); highest among the groups gnomAD compares: Non-Finnish European, 0.0031%; no homozygotes.

Submission:

Labcorp Genetics (formerly Invitae), Labcorp
Classification: Uncertain significance. Last evaluated: 2022-07-19. Review status: criteria provided, single submitter. Criteria: Invitae Variant Classification Sherloc (09022015). Collection method: clinical testing. Allele origin: germline.
Comment: This sequence change replaces glutamic acid, which is acidic and polar, with aspartic acid, which is acidic and polar, at codon 234 of the MTTP protein (p.Glu234Asp). This variant is present in population databases (rs771994154, gnomAD 0.009%). This missense change has been observed in individual(s) with clinical features of dislipidemia (PMID: 32041611). Algorithms developed to predict the effect of missense changes on protein structure and function (SIFT, PolyPhen-2, Align-GVGD) all suggest that this variant is likely to be disruptive. In summary, the available evidence is currently insufficient to determine the role of this variant in disease. Therefore, it has been classified as a Variant of Uncertain Significance.

Literature cited by the submitters: PubMed 32041611.